The following is an entry in ClinVar:

NM_001042492.3(NF1):c.4751_4753del (p.Phe1584_Lys1585delinsTer)

Gene: NF1 (neurofibromin 1; plus strand). Cytogenetic location: 17q11.2.
Variant type: Deletion.
Coding change: c.4751_4753del on transcript NM_001042492.3 (MANE Select); coding-DNA positions 4751 to 4753, 3 bases deleted (TCA; older notation c.4751_4753delTCA).
Protein change: p.Phe1584_Lys1585delinsTer.
Molecular consequence: nonsense.
Genome position (GRCh38, 1-based): chr17:31,265,255-31,265,257, TCA deleted. VCF-style (leftmost placement, unchanged base first): chr17-31265254-TTCA-T. GRCh37 (hg19) VCF-style: chr17-29592272-TTCA-T.
Other names: c.4688_4690delTCA, p.Phe1563_Glu1898delinsTer (NM_000267.4).
Identifiers: ClinVar variation 1455379 (VCV001455379.6), dbSNP rs2151470076, ClinGen allele CA2573153670.
Genomic context (GRCh38, chr17:31,265,254, plus strand): 5'-AAAGCCTCATAATTACTCTGTTATTTTTCTTTTAGGCATCAGGTACATGAAAAAGAAGAA[TTCA>T]AGGCTTTGAAAACGTTAAGTATTTTCTACCAAGCTGGGACTTCCAAAGCTGGGAATCCTA-3'

ClinVar aggregate classification (germline): Pathogenic (1 of 4 stars; one submission).

Conditions:
Neurofibromatosis, type 1 (NF1). Also called: Neurofibromatosis, type I; VON RECKLINGHAUSEN DISEASE; NEUROFIBROMATOSIS, TYPE I, SOMATIC; Peripheral type neurofibromatosis. Identifiers: Orphanet 636, MedGen C0027831, MONDO:0018975, OMIM 162200. Disease mechanism: loss of function.

Submission:

Labcorp Genetics (formerly Invitae), Labcorp
Classification: Pathogenic for Neurofibromatosis, type 1. Last evaluated: 2021-04-21. Review status: criteria provided, single submitter. Criteria: Invitae Variant Classification Sherloc (09022015). Collection method: clinical testing. Allele origin: germline.
Comment: For these reasons, this variant has been classified as Pathogenic. This variant has not been reported in the literature in individuals with NF1-related conditions. This variant is not present in population databases (ExAC no frequency). This sequence change creates a premature translational stop signal (p.Phe1563*) in the NF1 gene. It is expected to result in an absent or disrupted protein product. Loss-of-function variants in NF1 are known to be pathogenic (PMID: 10712197, 23913538).

Literature cited by the submitters: PubMed 10712197; PubMed 23913538.